The following is an entry in ClinVar:

NM_014140.4(SMARCAL1):c.1426del (p.Arg476fs)

Gene: SMARCAL1 (SNF2 related chromatin remodeling annealing helicase 1; plus strand). Cytogenetic location: 2q35.
Variant type: Deletion.
Coding change: c.1426del on transcript NM_014140.4 (MANE Select); coding-DNA position 1426, one base deleted (C; older notation c.1426delC).
Protein change: p.Arg476fs; shifts the reading frame from arginine 476.
Molecular consequence: frameshift variant.
Genome position (GRCh38, 1-based): chr2:216,432,809, C deleted; the last of 2 consecutive C bases (chr2:216,432,808-216,432,809); deleting either gives the same sequence. VCF-style (leftmost placement, unchanged base first): chr2-216432807-AC-A. GRCh37 (hg19) VCF-style: chr2-217297530-AC-A.
Other names: c.1426del, p.Arg476fs (NM_001127207.2); short protein forms R476fs.
Identifiers: ClinVar variation 1434068 (VCV001434068.6), dbSNP rs750721291, ClinGen allele CA2097874.

ClinVar aggregate classification (germline): Pathogenic (1 of 4 stars; one submission).

Conditions:
Schimke immuno-osseous dysplasia (SIOD). Also called: Schimke Immunoosseous Dysplasia. Identifiers: Orphanet 1830, MedGen C0877024, MONDO:0009458, OMIM 242900.

Submission:

Labcorp Genetics (formerly Invitae), Labcorp
Classification: Pathogenic for Schimke immuno-osseous dysplasia. Last evaluated: 2021-12-15. Review status: criteria provided, single submitter. Criteria: Invitae Variant Classification Sherloc (09022015). Collection method: clinical testing. Allele origin: germline.
Comment: For these reasons, this variant has been classified as Pathogenic. This variant has not been reported in the literature in individuals affected with SMARCAL1-related conditions. This variant is present in population databases (rs750721291, gnomAD 0.007%). This sequence change creates a premature translational stop signal (p.Arg476Glyfs*29) in the SMARCAL1 gene. It is expected to result in an absent or disrupted protein product. Loss-of-function variants in SMARCAL1 are known to be pathogenic (PMID: 11799392, 20301550).

Literature cited by the submitters: PubMed 11799392; PubMed 20301550.